The following is an entry in ClinVar:

NM_000553.6(WRN):c.3172T>A (p.Ser1058Thr)

Gene: WRN (WRN RecQ like helicase; plus strand). Cytogenetic location: 8p12.
Variant type: single nucleotide variant.
Coding change: c.3172T>A on transcript NM_000553.6 (MANE Select); coding-DNA position 3172, T replaced by A.
Protein change: p.Ser1058Thr; replaces serine 1058 with threonine.
Molecular consequence: missense variant.
Genome position (GRCh38, 1-based): chr8:31,141,714, T>A. VCF-style: chr8-31141714-T-A. GRCh37 (hg19) VCF-style: chr8-30999230-T-A.
Other names: short protein forms S1058T.
Identifiers: ClinVar variation 2130985 (VCV002130985.4), dbSNP rs2536031109, ClinGen allele CA370923022.

ClinVar aggregate classification (germline): Uncertain significance (1 of 4 stars; one submission).

Conditions:
Werner syndrome (WRN). Identifiers: Orphanet 902, MedGen C0043119, MONDO:0010196, OMIM 277700.

Submission:

Labcorp Genetics (formerly Invitae), Labcorp
Classification: Uncertain significance for Werner syndrome. Last evaluated: 2022-06-30. Review status: criteria provided, single submitter. Criteria: Invitae Variant Classification Sherloc (09022015). Collection method: clinical testing. Allele origin: germline.
Comment: Algorithms developed to predict the effect of missense changes on protein structure and function are either unavailable or do not agree on the potential impact of this missense change (SIFT: "Not Available"; PolyPhen-2: "Benign"; Align-GVGD: "Not Available"). In summary, the available evidence is currently insufficient to determine the role of this variant in disease. Therefore, it has been classified as a Variant of Uncertain Significance. This variant has not been reported in the literature in individuals affected with WRN-related conditions. This variant is not present in population databases (gnomAD no frequency). This sequence change replaces serine, which is neutral and polar, with threonine, which is neutral and polar, at codon 1058 of the WRN protein (p.Ser1058Thr).